The following is an entry in ClinVar:

NM_004946.3(DOCK2):c.1141G>A (p.Val381Met)

Gene: DOCK2 (dedicator of cytokinesis 2; plus strand). Cytogenetic location: 5q35.1.
Variant type: single nucleotide variant.
Coding change: c.1141G>A on transcript NM_004946.3 (MANE Select); coding-DNA position 1141, G replaced by A.
Protein change: p.Val381Met; replaces valine 381 with methionine.
Molecular consequence: missense variant. On other transcripts: non-coding transcript variant (1).
Genome position (GRCh38, 1-based): chr5:169,700,022, G>A. VCF-style: chr5-169700022-G-A. GRCh37 (hg19) VCF-style: chr5-169127026-G-A.
Other names: short protein forms V381M.
Identifiers: ClinVar variation 1421718 (VCV001421718.7), dbSNP rs2113461481, ClinGen allele CA362105656.

ClinVar aggregate classification (germline): Uncertain significance (1 of 4 stars; one submission).

Conditions:
DOCK2 deficiency. Also called: Immunodeficiency 40. Identifiers: Orphanet 447737, MedGen C4225328, MONDO:0014637, OMIM 616433.

gnomAD v4.1: 1 of 1,613,826 alleles (0.000062%); highest among the groups gnomAD compares: Non-Finnish European, 0.000085%; no homozygotes.

Submission:

Labcorp Genetics (formerly Invitae), Labcorp
Classification: Uncertain significance for DOCK2 deficiency. Last evaluated: 2024-09-05. Review status: criteria provided, single submitter. Criteria: Invitae Variant Classification Sherloc (09022015). Collection method: clinical testing. Allele origin: germline.
Comment: This sequence change replaces valine, which is neutral and non-polar, with methionine, which is neutral and non-polar, at codon 381 of the DOCK2 protein (p.Val381Met). This variant is not present in population databases (gnomAD no frequency). This variant has not been reported in the literature in individuals affected with DOCK2-related conditions. ClinVar contains an entry for this variant (Variation ID: 1421718). An algorithm developed to predict the effect of missense changes on protein structure and function (PolyPhen-2) suggests that this variant is likely to be disruptive. In summary, the available evidence is currently insufficient to determine the role of this variant in disease. Therefore, it has been classified as a Variant of Uncertain Significance.